The following is an entry in ClinVar:

ClinVar aggregate classification (germline): Uncertain significance (1 of 4 stars; one submission).

Conditions:
Dyskeratosis congenita. Identifiers: Orphanet 1775, MedGen C0265965, MONDO:0015780.

Submission:

Labcorp Genetics (formerly Invitae), Labcorp
Classification: Uncertain significance for Dyskeratosis congenita. Last evaluated: 2023-09-05. Review status: criteria provided, single submitter. Criteria: Invitae Variant Classification Sherloc (09022015). Collection method: clinical testing. Allele origin: germline.
Comment: This variant is not present in population databases (gnomAD no frequency). This variant, c.1191_1193del, results in the deletion of 1 amino acid(s) of the TINF2 protein (p.Asp397del), but otherwise preserves the integrity of the reading frame. This variant has not been reported in the literature in individuals affected with TINF2-related conditions. Experimental studies and prediction algorithms are not available or were not evaluated, and the functional significance of this variant is currently unknown. Algorithms developed to predict the effect of sequence changes on RNA splicing suggest that this variant may disrupt the consensus splice site. In summary, the available evidence is currently insufficient to determine the role of this variant in disease. Therefore, it has been classified as a Variant of Uncertain Significance.

NM_001099274.3(TINF2):c.1188TGA[1] (p.Asp397del)

Gene: TINF2 (TERF1 interacting nuclear factor 2; minus strand). Cytogenetic location: 14q12.
Variant type: Microsatellite.
Coding change: c.1188TGA[1] on transcript NM_001099274.3 (MANE Select); one copy of the 3-base unit TGA starting at c.1188; the reference has two copies in a row; one copy, 3 bases deleted.
Protein change: p.Asp397del; deletes aspartic acid 397.
Molecular consequence: inframe deletion. On other transcripts: 3 prime UTR variant (1).
Genome position (GRCh38, 1-based): chr14:24,240,092-24,240,094, TCA deleted on the plus strand (TGA on the coding strand, the reverse complement: TINF2 is on the minus strand); deleting any 3 consecutive bases within chr14:24,240,092-24,240,097 gives the same sequence; the position shown is the placement nearest the transcript's 3' end. VCF-style (leftmost placement, unchanged base first): chr14-24240091-CTCA-C. GRCh37 (hg19) VCF-style: chr14-24709297-CTCA-C.
Other names: c.1083TGA[1], p.Asp362del (NM_001363668.2); c.*318TGA[1] (NM_012461.3); short protein forms D362del, D397del.
Identifiers: ClinVar variation 2758100 (VCV002758100.3), dbSNP rs2502450425, ClinGen allele CA2624345053.